The following is an entry in ClinVar:

ClinVar aggregate classification (germline): Uncertain significance. Review status: criteria provided, multiple submitters, no conflicts (2 of 4 stars). 2 submissions from 2 submitters: Uncertain significance (2). Last evaluated 2025-12-31.

Conditions:
Familial adenomatous polyposis 1 (FAP1). Also called: FAMILIAL ADENOMATOUS POLYPOSIS 1, ATTENUATED; POLYPOSIS, ADENOMATOUS INTESTINAL. Identifiers: MedGen C2713442, MONDO:0021056, OMIM 175100. Disease mechanism: loss of function.

gnomAD v4.1: 1 of 1,370,662 alleles (0.000073%); highest among the groups gnomAD compares: Non-Finnish European, 0.000096%; no homozygotes.

Submissions (2):

Labcorp Genetics (formerly Invitae), Labcorp
Classification: Uncertain significance for Familial adenomatous polyposis 1. Last evaluated: 2025-12-31. Review status: criteria provided, single submitter. Criteria: Invitae Variant Classification Sherloc (09022015). Collection method: clinical testing. Allele origin: germline.
Comment: This variant occurs in a non-coding region of the APC gene. It does not change the encoded amino acid sequence of the APC protein. This variant is not present in population databases (gnomAD no frequency). This variant has not been reported in the literature in individuals affected with APC-related conditions. ClinVar contains an entry for this variant (Variation ID: 647742). Experimental studies and prediction algorithms are not available or were not evaluated, and the functional significance of this variant is currently unknown. In summary, the available evidence is currently insufficient to determine the role of this variant in disease. Therefore, it has been classified as a Variant of Uncertain Significance.

Blueprint Genetics
Classification: Uncertain significance. Last evaluated: 2023-09-21. Review status: criteria provided, single submitter. Criteria: ACMG Guidelines, 2015. Collection method: clinical testing. Allele origin: germline.

NM_001127511.3(APC):c.71C>G (p.Ser24Cys)

Gene: APC (APC regulator of Wnt signaling pathway; plus strand). Cytogenetic location: 5q22.2.
Variant type: single nucleotide variant.
Coding change: c.71C>G on transcript NM_001127511.3; coding-DNA position 71, C replaced by G.
Protein change: p.Ser24Cys; replaces serine 24 with cysteine.
Molecular consequence: missense variant. On other transcripts: 5 prime UTR variant (8), non-coding transcript variant (1), intron variant (5).
Genome position (GRCh38, 1-based): chr5:112,707,788, C>G. VCF-style: chr5-112707788-C-G. GRCh37 (hg19) VCF-style: chr5-112043485-C-G.
Other names: c.-113C>G (NM_001407452.1, NM_001407456.1, NM_001407460.1 and 3 more transcripts); c.-1148C>G (NM_001407470.1, NM_001407472.1); c.-19+139C>G (NM_001407448.1, NM_001407450.1, NM_001407457.1 and 1 more transcripts); c.-43+139C>G (NM_001407453.1); c.71C>G, p.Ser24Cys (NM_001354897.2, NM_001354902.2, NM_001407446.1); short protein forms S24C.
Identifiers: ClinVar variation 647742 (VCV000647742.8), dbSNP rs770241997, ClinGen allele CA360611852.
Genomic context (GRCh38, chr5:112,707,788, plus strand): 5'-CCCTGGGCTCGGGTCCGGTCGCCCCTTTGCCCGCTTCTGTACCACCCTCAGTTCTCGGGT[C>G]CTGGAGCACCGGCGGCAGCAGGAGCTGCGTCCGGCAGGAGACGAAGAGCCCGGGCGGCGC-3'